The following is an entry in ClinVar:

NM_016373.4(WWOX):c.931C>T (p.Leu311Phe)

Gene: WWOX (WW domain containing oxidoreductase; plus strand). Cytogenetic location: 16q23.1.
Variant type: single nucleotide variant.
Coding change: c.931C>T on transcript NM_016373.4 (MANE Select); coding-DNA position 931, C replaced by T.
Protein change: p.Leu311Phe; replaces leucine 311 with phenylalanine.
Molecular consequence: missense variant.
Genome position (GRCh38, 1-based): chr16:78,432,627, C>T. VCF-style: chr16-78432627-C-T. GRCh37 (hg19) VCF-style: chr16-78466524-C-T.
Other names: c.592C>T, p.Leu198Phe (NM_001291997.2); short protein forms L311F, L198F.
Identifiers: ClinVar variation 854665 (VCV000854665.7), dbSNP rs1455737775, ClinGen allele CA396843304.
Genomic context (GRCh38, chr16:78,432,627, plus strand): 5'-CTGGCTTATAACAGGTCCAAGCTCTGCAACATCCTCTTCTCCAACGAGCTGCACCGTCGC[C>T]TCTCCCCACGCGGGGTCACGTCGAACGCAGTGCATCCTGGAAATATGATGTACTCCAACA-3'
Protein context (NP_057457.1, residues 301-321): ILFSNELHRR[Leu311Phe]SPRGVTSNAV

ClinVar aggregate classification (germline): Uncertain significance (1 of 4 stars; one submission).

Conditions:
Autosomal recessive spinocerebellar ataxia 12. Also called: SPINOCEREBELLAR ATAXIA WITH MENTAL RETARDATION AND EPILEPSY. Identifiers: Orphanet 284282, MedGen C3280452, MONDO:0013687, OMIM 614322.
Developmental and epileptic encephalopathy, 1 (DEE1). Also called: INFANTILE SPASM SYNDROME, X-LINKED 1; X-linked infantile spasms; West's syndrome; Tonic spasms with clustering, arrest of psychomotor development and hypsarrhythmia on EEG; X-Linked Infantile Spasm Syndrome; OHTAHARA SYNDROME, X-LINKED. Identifiers: MedGen C3463992, MONDO:0010632, OMIM 308350. Disease mechanism: loss of function.

Allele frequency attached by ClinVar (database versions not stated): gnomAD exomes below 0.00001.

Submission:

Labcorp Genetics (formerly Invitae), Labcorp
Classification: Uncertain significance for Developmental and epileptic encephalopathy, 1; Autosomal recessive spinocerebellar ataxia 12. Last evaluated: 2019-01-17. Review status: criteria provided, single submitter. Criteria: Invitae Variant Classification Sherloc (09022015). Collection method: clinical testing. Allele origin: germline.
Comment: This sequence change replaces leucine with phenylalanine at codon 311 of the WWOX protein (p.Leu311Phe). The leucine residue is moderately conserved and there is a small physicochemical difference between leucine and phenylalanine. This variant is not present in population databases (ExAC no frequency). This variant has not been reported in the literature in individuals with WWOX-related conditions. Algorithms developed to predict the effect of missense changes on protein structure and function are either unavailable or do not agree on the potential impact of this missense change (SIFT: "Tolerated"; PolyPhen-2: "Benign"; Align-GVGD: "Class C0"). In summary, the available evidence is currently insufficient to determine the role of this variant in disease. Therefore, it has been classified as a Variant of Uncertain Significance.